The following is an entry in ClinVar:

NM_000235.4(LIPA):c.1108C>G (p.Pro370Ala)

Gene: LIPA (lipase A, lysosomal acid type; minus strand). Cytogenetic location: 10q23.31.
Variant type: single nucleotide variant.
Coding change: c.1108C>G on transcript NM_000235.4 (MANE Select); coding-DNA position 1108, C replaced by G.
Protein change: p.Pro370Ala; replaces proline 370 with alanine.
Molecular consequence: missense variant.
Genome position (GRCh38, 1-based): chr10:89,214,920, G>C on the plus strand (C>G on the coding strand, the complement: LIPA is on the minus strand). VCF-style: chr10-89214920-G-C. GRCh37 (hg19) VCF-style: chr10-90974677-G-C.
Other names: c.1108C>G, p.Pro370Ala (NM_001127605.3); c.760C>G, p.Pro254Ala (NM_001288979.2); short protein forms P370A, P254A.
Identifiers: ClinVar variation 1794256 (VCV001794256.7), dbSNP rs1037972033, ClinGen allele CA211360587.

ClinVar aggregate classification (germline): Uncertain significance. Review status: criteria provided, multiple submitters, no conflicts (2 of 4 stars). 3 submissions from 3 submitters: Uncertain significance (3). Last evaluated 2024-05-22.

Conditions:
Wolman disease (WOLD). Also called: Wolman disease with hypolipoproteinemia and acanthocytosis; Infantile-Onset LAL-D (Wolman Disease); Wolman disease, CESD; Acid cholesteryl ester hydrolase deficiency, Wolman type; Acid lipase disease; LYSOSOMAL ACID LIPASE DEFICIENCY, ACUTE INFANTILE. Identifiers: Orphanet 75233, MedGen C0043208, MONDO:0019148, OMIM 620151.
Cardiovascular phenotype. Identifiers: MedGen CN230736.

Allele frequency attached by ClinVar (database versions not stated): TOPMed 0.00004; gnomAD 0.00005.
gnomAD v4.1: 31 of 1,613,928 alleles (0.0019%); highest among the groups gnomAD compares: Admixed American, 0.0017%; no homozygotes.

Submissions (3):

Labcorp Genetics (formerly Invitae), Labcorp
Classification: Uncertain significance for Wolman disease. Last evaluated: 2024-05-22. Review status: criteria provided, single submitter. Criteria: Invitae Variant Classification Sherloc (09022015). Collection method: clinical testing. Allele origin: germline.
Comment: This sequence change replaces proline, which is neutral and non-polar, with alanine, which is neutral and non-polar, at codon 370 of the LIPA protein (p.Pro370Ala). This variant is present in population databases (no rsID available, gnomAD 0.03%). This variant has not been reported in the literature in individuals affected with LIPA-related conditions. ClinVar contains an entry for this variant (Variation ID: 1794256). Advanced modeling of protein sequence and biophysical properties (such as structural, functional, and spatial information, amino acid conservation, physicochemical variation, residue mobility, and thermodynamic stability) performed at Invitae indicates that this missense variant is not expected to disrupt LIPA protein function with a negative predictive value of 80%. In summary, the available evidence is currently insufficient to determine the role of this variant in disease. Therefore, it has been classified as a Variant of Uncertain Significance.

Ambry Genetics
Classification: Uncertain significance for Cardiovascular phenotype. Last evaluated: 2024-04-20. Review status: criteria provided, single submitter. Criteria: Ambry Variant Classification Scheme 2023. Collection method: clinical testing. Allele origin: germline.

Blueprint Genetics
Classification: Uncertain significance. Last evaluated: 2021-03-31. Review status: criteria provided, single submitter. Criteria: ACMG Guidelines, 2015. Collection method: clinical testing. Allele origin: germline.